The following is an entry in ClinVar:

NM_001040108.2(MLH3):c.3643G>T (p.Gly1215Cys)

Gene: MLH3 (mutL homolog 3; minus strand). Cytogenetic location: 14q24.3.
Variant type: single nucleotide variant.
Coding change: c.3643G>T on transcript NM_001040108.2 (MANE Select); coding-DNA position 3643, G replaced by T.
Protein change: p.Gly1215Cys; replaces glycine 1215 with cysteine.
Molecular consequence: missense variant.
Genome position (GRCh38, 1-based): chr14:75,038,340, C>A on the plus strand (G>T on the coding strand, the complement: MLH3 is on the minus strand). VCF-style: chr14-75038340-C-A. GRCh37 (hg19) VCF-style: chr14-75505043-C-A.
Other names: c.3643G>T, p.Asp1215Tyr (NM_014381.3); short protein forms D1215Y, G1215C.
Identifiers: ClinVar variation 4807542 (VCV004807542.1).

ClinVar aggregate classification (germline): Uncertain significance (1 of 4 stars; one submission).

Conditions:
Colorectal cancer, hereditary nonpolyposis, type 7. Identifiers: Orphanet 144, MedGen C1858380, MONDO:0013725, OMIM 614385.

Submission:

Labcorp Genetics (formerly Invitae), Labcorp
Classification: Uncertain significance for Colorectal cancer, hereditary nonpolyposis, type 7. Last evaluated: 2026-01-24. Review status: criteria provided, single submitter. Criteria: Invitae Variant Classification Sherloc (09022015). Collection method: clinical testing. Allele origin: germline.
Comment: This sequence change replaces glycine, which is neutral and non-polar, with cysteine, which is neutral and slightly polar, at codon 1215 of the MLH3 protein (p.Gly1215Cys). This variant also falls at the last nucleotide of exon 6, which is part of the consensus splice site for this exon. This variant is not present in population databases (gnomAD no frequency). This variant has not been reported in the literature in individuals affected with MLH3-related conditions. An algorithm developed to predict the effect of missense changes on protein structure and function (PolyPhen-2) suggests that this variant is likely to be disruptive. Variants that disrupt the consensus splice site are a relatively common cause of aberrant splicing (PMID: 17576681, 9536098). Algorithms developed to predict the effect of sequence changes on RNA splicing suggest that this variant may disrupt the consensus splice site. In summary, the available evidence is currently insufficient to determine the role of this variant in disease. Therefore, it has been classified as a Variant of Uncertain Significance.

Literature cited by the submitters: PubMed 17576681; PubMed 9536098.